The following is an entry in ClinVar:

ClinVar aggregate classification (germline): Pathogenic (1 of 4 stars; one submission).

Conditions:
Hereditary breast ovarian cancer syndrome. Also called: Hereditary breast and ovarian cancer syndrome (HBOC); Hereditary breast and/or ovarian cancer syndrome; Hereditary breast and ovarian cancer; BRCA1- and BRCA2-Associated Hereditary Breast and Ovarian Cancer; Hereditary breast and ovarian cancer syndrome; Breast and ovarian cancer. Identifiers: Orphanet 145, MedGen C0677776, MeSH D061325, MONDO:0003582. Disease mechanism: loss of function.

Submission:

Labcorp Genetics (formerly Invitae), Labcorp
Classification: Pathogenic for Hereditary breast ovarian cancer syndrome. Last evaluated: 2024-10-02. Review status: criteria provided, single submitter. Criteria: Invitae Variant Classification Sherloc (09022015). Collection method: clinical testing. Allele origin: germline.
Comment: This sequence change inserts a large fragment of DNA, likely a transposable element, in exon 2 of the BRCA2 gene (c.58_59ins?), causing a frameshift at codon 20 (p.Asn20fs). The exact size and sequence of the insertion cannot be determined by the current assay. However, the insertion is expected to result in an absent or disrupted protein product. This variant is not present in population databases (gnomAD no frequency). This variant has not been reported in the literature in individuals affected with BRCA2-related conditions. ClinVar contains an entry for this variant (Variation ID: 1072007). Algorithms developed to predict the effect of sequence changes on RNA splicing suggest that this variant may disrupt the consensus splice site. Retrotransposon insertions including LINE1 (L1), Alu, and SVA (SINE-VNTR-Alu) have been reported to be disease-causing through disruption of either a coding region or splice site (PMID: 19763152, 20307669, 22406018) and loss-of-function variants in BRCA2 are known to be pathogenic (PMID: 20104584). For these reasons, this variant has been classified as Pathogenic.

Literature cited by the submitters: PubMed 19763152; PubMed 20307669; PubMed 22406018; PubMed 20104584.

NM_000059.4(BRCA2):c.58_59insGCTTGCAGTGAGCCGAGATCGCGCCACTGCACGCCAGCCTGGGCGACAGAGCGAGACTCCGTCTCTAAAAANNNNNNNNNNGTTGATTTTTTTTTTTTGCCTGAAACCCCCCACTCAACCACTCCTCGTGGTCCATAACCTGAAAACATTAAAAAAAAAAAAAAAAAAAAAAAAAAAAAAAAAAAAAAAAAAAAAAAAGACACGCTGCA (p.Asn20delinsSerLeuGlnTer)

Gene: BRCA2 (BRCA2 DNA repair associated; plus strand). Cytogenetic location: 13q13.1.
Variant type: Insertion.
Coding change: c.58_59insGCTTGCAGTGAGCCGAGATCGCGCCACTGCACGCCAGCCTGGGCGACAGAGCGAGACTCCGTCTCTAAAAANNNNNNNNNNGTTGATTTTTTTTTTTTGCCTGAAACCCCCCACTCAACCACTCCTCGTGGTCCATAACCTGAAAACATTAAAAAAAAAAAAAAAAAAAAAAAAAAAAAAAAAAAAAAAAAAAAAAAAGACACGCTGCA on transcript NM_000059.4 (MANE Select); coding-DNA positions 58 to 59, GCTTGCAGTGAGCCGAGATCGCGCCACTGCACGCCAGCCTGGGCGACAGAGCGAGACTCCGTCTCTAAAAANNNNNNNNNNGTTGATTTTTTTTTTTTGCCTGAAACCCCCCACTCAACCACTCCTCGTGGTCCATAACCTGAAAACATTAAAAAAAAAAAAAAAAAAAAAAAAAAAAAAAAAAAAAAAAAAAAAAAAGACACGCTGCA inserted.
Protein change: p.Asn20delinsSerLeuGlnTer.
Molecular consequence: nonsense.
Genome position: GRCh38: chr13:32,316,518-32,316,519. GRCh37 (hg19): chr13:32,890,655-32,890,656.
Identifiers: ClinVar variation 1072007 (VCV001072007.7), dbSNP rs2138698413.